The following is an entry in ClinVar:

NM_001470.4(GABBR1):c.752C>T (p.Thr251Met)

Gene: GABBR1 (gamma-aminobutyric acid type B receptor subunit 1; minus strand). Cytogenetic location: 6p22.1.
Variant type: single nucleotide variant.
Coding change: c.752C>T on transcript NM_001470.4 (MANE Select); coding-DNA position 752, C replaced by T.
Protein change: p.Thr251Met; replaces threonine 251 with methionine.
Molecular consequence: missense variant.
Genome position (GRCh38, 1-based): chr6:29,623,930, G>A on the plus strand (C>T on the coding strand, the complement: GABBR1 is on the minus strand). VCF-style: chr6-29623930-G-A. GRCh37 (hg19) VCF-style: chr6-29591707-G-A.
Other names: c.221C>T, p.Thr74Met (NM_001319053.2); c.401C>T, p.Thr134Met (NM_021903.3); c.566C>T, p.Thr189Met (NM_021904.4); short protein forms T134M, T189M, T251M, T74M.
Identifiers: ClinVar variation 3772404 (VCV003772404.13).

ClinVar aggregate classification (germline): Uncertain significance (1 of 4 stars; one submission).

Submission:

CeGaT Center for Human Genetics Tuebingen
Classification: Uncertain significance. Last evaluated: 2025-03-01. Review status: criteria provided, single submitter. Criteria: CeGaT Center For Human Genetics Tuebingen Variant Classification Criteria Version 2. Collection method: clinical testing. Allele origin: germline. Affected: yes. Observed: 1 variant allele.
Comment: GABBR1: PM2, PP2, PP3, PS2:Supporting